The following is an entry in ClinVar:

ClinVar aggregate classification (germline): Conflicting classifications of pathogenicity. Review status: criteria provided, conflicting classifications (1 of 4 stars). 2 submissions from 2 submitters: Likely pathogenic (1); Uncertain significance (1). Last evaluated 2023-06-29.

Conditions:
Weill-Marchesani syndrome 1 (WMS1). Also called: Weill-Marchesani Syndrome, Autosomal Recessive; Weill-Marchesani syndrome 1, recessive; ADAMTS10-Related Weill-Marchesani Syndrome. Identifiers: Orphanet 3449, MedGen C4552002, MONDO:0010194, OMIM 277600.

Allele frequency attached by ClinVar (database versions not stated): ExAC 0.00001.
gnomAD v4.1: 3 of 1,612,836 alleles (0.00019%); highest among the groups gnomAD compares: South Asian, 0.0011%; no homozygotes.

Submissions (2):

Laboratory of Molecular and Physiopathological Bases of Osteochondrodysplasia, Imagine Institute
Classification: Likely pathogenic for Weill-Marchesani syndrome 1. Last evaluated: 2023-06-29. Review status: criteria provided, single submitter. Criteria: ACMG Guidelines, 2015. Collection method: clinical testing. Allele origin: biparental. Affected: yes. Observed: 1 variant allele.

Labcorp Genetics (formerly Invitae), Labcorp
Classification: Uncertain significance. Last evaluated: 2022-07-21. Review status: criteria provided, single submitter. Criteria: Invitae Variant Classification Sherloc (09022015). Collection method: clinical testing. Allele origin: germline.
Comment: This sequence change replaces glycine, which is neutral and non-polar, with arginine, which is basic and polar, at codon 395 of the ADAMTS10 protein (p.Gly395Arg). The frequency data for this variant in the population databases is considered unreliable, as metrics indicate poor data quality at this position in the gnomAD database. This variant has not been reported in the literature in individuals affected with ADAMTS10-related conditions. Algorithms developed to predict the effect of missense changes on protein structure and function (SIFT, PolyPhen-2, Align-GVGD) all suggest that this variant is likely to be disruptive. In summary, the available evidence is currently insufficient to determine the role of this variant in disease. Therefore, it has been classified as a Variant of Uncertain Significance.

NM_030957.4(ADAMTS10):c.1183G>A (p.Gly395Arg)

Gene: ADAMTS10 (ADAM metallopeptidase with thrombospondin type 1 motif 10; minus strand). Cytogenetic location: 19p13.2.
Variant type: single nucleotide variant.
Coding change: c.1183G>A on transcript NM_030957.4 (MANE Select); coding-DNA position 1183, G replaced by A.
Protein change: p.Gly395Arg; replaces glycine 395 with arginine.
Molecular consequence: missense variant.
Genome position (GRCh38, 1-based): chr19:8,596,314, C>T on the plus strand (G>A on the coding strand, the complement: ADAMTS10 is on the minus strand). VCF-style: chr19-8596314-C-T. GRCh37 (hg19) VCF-style: chr19-8661198-C-T.
Other names: short protein forms G395R.
Identifiers: ClinVar variation 1934151 (VCV001934151.3), dbSNP rs781920954, ClinGen allele CA9160598.